The following is an entry in ClinVar:

NM_004444.5(EPHB4):c.770C>T (p.Pro257Leu)

Gene: EPHB4 (EPH receptor B4; minus strand). Cytogenetic location: 7q22.1.
Variant type: single nucleotide variant.
Coding change: c.770C>T on transcript NM_004444.5 (MANE Select); coding-DNA position 770, C replaced by T.
Protein change: p.Pro257Leu; replaces proline 257 with leucine.
Molecular consequence: missense variant.
Genome position (GRCh38, 1-based): chr7:100,822,309, G>A on the plus strand (C>T on the coding strand, the complement: EPHB4 is on the minus strand). VCF-style: chr7-100822309-G-A. GRCh37 (hg19) VCF-style: chr7-100419931-G-A.
Other names: p.Pro257Leu; c.770C>T (NM_004444.4); short protein forms P257L.
Identifiers: ClinVar variation 3379783 (VCV003379783.3).

ClinVar aggregate classification (germline): Conflicting classifications of pathogenicity. Review status: criteria provided, conflicting classifications (1 of 4 stars). 3 submissions from 3 submitters: Uncertain significance (2); Likely benign (1). Last evaluated 2025-09-02.

Conditions:
Cardiovascular phenotype. Identifiers: MedGen CN230736.

gnomAD v4.1: 124 of 1,566,486 alleles (0.0079%); highest among the groups gnomAD compares: Middle Eastern, 0.017%; no homozygotes.

Submissions (3):

Ambry Genetics
Classification: Likely benign for Cardiovascular phenotype. Last evaluated: 2025-09-02. Review status: criteria provided, single submitter. Criteria: Ambry Variant Classification Scheme 2023. Collection method: clinical testing. Allele origin: germline.

Mayo Clinic Laboratories, Mayo Clinic
Classification: Uncertain significance. Last evaluated: 2024-08-07. Review status: criteria provided, single submitter. Criteria: ACMG Guidelines, 2015. Collection method: clinical testing. Allele origin: germline. Observed: 1 variant allele.

ARUP Laboratories, Molecular Genetics and Genomics, ARUP Laboratories
Classification: Uncertain significance. Last evaluated: 2024-05-22. Review status: criteria provided, single submitter. Criteria: ARUP Molecular Germline Variant Investigation Process 2024. Collection method: clinical testing. Allele origin: germline.
Comment: The EPHB4 c.770C>T; p.Pro257Leu variant (rs774913837) has been reported as a somatic variant in a neuroblastoma sample (Lasorsa 2016); however, it has not yet been reported in the literature in association with EPHB4-related CM-AVM. This variant is observed in the general population with an overall allele frequency of 0.005% (10/208446 alleles) in the Genome Aggregation Database (v2.1.1). Computational analyses are uncertain whether this variant is neutral or deleterious (REVEL: 0.281). Due to limited information, the clinical significance of this variant is uncertain at this time. References: Lasorsa VA et al. Exome and deep sequencing of clinically aggressive neuroblastoma reveal somatic mutations that affect key pathways involved in cancer progression. Oncotarget. 2016 Apr 19;7(16):21840-52. PMID: 27009842.